The following is an entry in ClinVar:

ClinVar aggregate classification (germline): Conflicting classifications of pathogenicity. Review status: criteria provided, conflicting classifications (1 of 4 stars). 6 submissions from 6 submitters: Uncertain significance (3); Likely benign (2). 1 of the submissions does not count toward it. Last evaluated 2026-04-24.

Conditions:
AGL-related disorder. Also called: AGL-related condition.
Glycogen storage disease type III (GSD3). Also called: FORBES DISEASE; Cori disease. Identifiers: Orphanet 366, MedGen C0017922, MONDO:0009291, OMIM 232400.

Allele frequency attached by ClinVar (database versions not stated): 1000 Genomes Project 30x 0.00016; gnomAD exomes 0.00016; 1000 Genomes Project 0.00020; ExAC 0.00020; TOPMed 0.00063; gnomAD 0.00066 and 0.00075; ESP Exome Variant Server 0.00092.
gnomAD v4.1: 204 of 1,613,596 alleles (0.013%); highest among the groups gnomAD compares: African/African-American, 0.25%; no homozygotes.

Submissions (6):

PreventionGenetics, part of Exact Sciences
Classification: Likely benign for AGL-related condition. Last evaluated: 2026-04-24. Review status: criteria provided, single submitter. Criteria: ACMG Guidelines, 2015. Collection method: clinical testing. Allele origin: germline.
Comment: This variant is classified as likely benign based on ACMG/AMP sequence variant interpretation guidelines (Richards et al. 2015 PMID: 25741868, with internal and published modifications).

Labcorp Genetics (formerly Invitae), Labcorp
Classification: Likely benign for Glycogen storage disease type III. Last evaluated: 2026-02-03. Review status: criteria provided, single submitter. Criteria: Invitae Variant Classification Sherloc (09022015). Collection method: clinical testing. Allele origin: germline.

Mayo Clinic Laboratories, Mayo Clinic
Classification: Uncertain significance. Last evaluated: 2025-09-16. Review status: criteria provided, single submitter. Criteria: ACMG Guidelines, 2015. Collection method: clinical testing. Allele origin: germline. Observed: 3 variant alleles.
Comment: BS1

GeneDx
Classification: Uncertain significance. Last evaluated: 2024-10-17. Review status: criteria provided, single submitter. Criteria: GeneDx Variant Classification Process June 2021. Collection method: clinical testing. Allele origin: germline. Affected: yes.
Comment: In silico analysis supports that this missense variant has a deleterious effect on protein structure/function; Has not been previously published as pathogenic or benign to our knowledge

Clinical Genomics Laboratory, Stanford Medicine
Classification: Uncertain significance for Glycogen storage disease type III. Last evaluated: 2022-12-05. Review status: criteria provided, single submitter. Criteria: ACMG Guidelines, 2015. Collection method: clinical testing. Allele origin: germline. Observed: 1 variant allele, 1 heterozygote.
Comment: The p.Glu1405Gly variant in the AGL gene has not been previously reported in association with disease. This variant has been identified in 51/24,924 African/African American chromosomes (55/282,512 chromosomes overall) by the Genome Aggregation Database. This allele frequency is higher than expected for a pathogenic variant. This variant is present in ClinVar (Accession: VCV000456501.11). The glutamic acid at position 1405 is evolutionarily conserved; however, glycine is seen at this position in several species. Computational tools predict that the p.Glu1405Gly variant is deleterious; however, the accuracy of in silico algorithms is limited. These data were assessed using the ACMG/AMP variant interpretation guidelines. In summary, the significance of the p.Glu1405Gly variant is uncertain. Additional information is needed to resolve the significance of this variant. [ACMG evidence codes used: BS1_Supporting; PP3]

Natera, Inc.
Classification: Uncertain significance for Glycogen storage disease type III. Last evaluated: 2019-10-28. Review status: no assertion criteria provided. Collection method: clinical testing. Allele origin: germline. Not counted in ClinVar's aggregate classification.

NM_000642.3(AGL):c.4214A>G (p.Glu1405Gly)

Gene: AGL (amylo-alpha-1,6-glucosidase and 4-alpha-glucanotransferase; plus strand). Cytogenetic location: 1p21.2.
Variant type: single nucleotide variant.
Coding change: c.4214A>G on transcript NM_000642.3 (MANE Select); coding-DNA position 4214, A replaced by G.
Protein change: p.Glu1405Gly; replaces glutamic acid 1405 with glycine.
Molecular consequence: missense variant.
Genome position (GRCh38, 1-based): chr1:99,915,441, A>G. VCF-style: chr1-99915441-A-G. GRCh37 (hg19) VCF-style: chr1-100380997-A-G.
Other names: p.Glu1405Gly; c.4166A>G, p.Glu1389Gly (NM_000646.3); c.4214A>G, p.Glu1405Gly (NM_001425325.1, NM_000028.3, NM_000643.3 and 1 more transcripts); c.4193A>G, p.Glu1398Gly (NM_001425326.1); c.4013A>G, p.Glu1338Gly (NM_001425327.1); c.4010A>G, p.Glu1337Gly (NM_001425328.1); c.3875A>G, p.Glu1292Gly (NM_001425329.1); c.3836A>G, p.Glu1279Gly (NM_001425332.1); short protein forms E1405G, E1389G, E1279G, E1292G, E1337G, E1338G, E1398G.
Identifiers: ClinVar variation 456501 (VCV000456501.15), dbSNP rs28730708, ClinGen allele CA967354.
Genomic context (GRCh38, chr1:99,915,441, plus strand): 5'-TTCACTAGGCCCCTGAGCTCTTTACTACAGAAAAAGCATGGAAAGCTTTGGAGATTGCAG[A>G]AAAAAAATTGCTTGGTCCCCTTGGCATGAAAACTTTAGATCCAGAGTAAGTTGGAATATA-3'
Protein context (NP_000633.2, residues 1395-1415): EKAWKALEIA[Glu1405Gly]KKLLGPLGMK